The following is an entry in ClinVar:

NM_080473.5(GATA5):c.274G>T (p.Ala92Ser)

Gene: GATA5 (GATA binding protein 5; minus strand). Cytogenetic location: 20q13.33.
Variant type: single nucleotide variant.
Coding change: c.274G>T on transcript NM_080473.5 (MANE Select); coding-DNA position 274, G replaced by T.
Protein change: p.Ala92Ser; replaces alanine 92 with serine.
Molecular consequence: missense variant.
Genome position (GRCh38, 1-based): chr20:62,475,248, C>A on the plus strand (G>T on the coding strand, the complement: GATA5 is on the minus strand). VCF-style: chr20-62475248-C-A. GRCh37 (hg19) VCF-style: chr20-61050304-C-A.
Other names: short protein forms A92S.
Identifiers: ClinVar variation 2138367 (VCV002138367.4), dbSNP rs1555897013, ClinGen allele CA409557038.

ClinVar aggregate classification (germline): Uncertain significance (1 of 4 stars; one submission).

Allele frequency attached by ClinVar (database versions not stated): gnomAD exomes below 0.00001; gnomAD 0.00001.

Submission:

Labcorp Genetics (formerly Invitae), Labcorp
Classification: Uncertain significance. Last evaluated: 2022-03-20. Review status: criteria provided, single submitter. Criteria: Invitae Variant Classification Sherloc (09022015). Collection method: clinical testing. Allele origin: germline.
Comment: In summary, the available evidence is currently insufficient to determine the role of this variant in disease. Therefore, it has been classified as a Variant of Uncertain Significance. Algorithms developed to predict the effect of missense changes on protein structure and function output the following: SIFT: "Tolerated"; PolyPhen-2: "Benign"; Align-GVGD: "Class C0". The serine amino acid residue is found in multiple mammalian species, which suggests that this missense change does not adversely affect protein function. This missense change has been observed in individual(s) with clinical features of GATA5-related conditions (PMID: 28372585). This variant is present in population databases (no rsID available, gnomAD 0.007%). This sequence change replaces alanine, which is neutral and non-polar, with serine, which is neutral and polar, at codon 92 of the GATA5 protein (p.Ala92Ser).

Literature cited by the submitters: PubMed 28372585.